The following is an entry in ClinVar:

NM_172245.4(CSF2RA):c.680G>A (p.Arg227His)

Gene: CSF2RA (colony stimulating factor 2 receptor subunit alpha; plus strand). Cytogenetic location: Xp22.33.
Variant type: single nucleotide variant.
Coding change: c.680G>A on transcript NM_172245.4 (MANE Select); coding-DNA position 680, G replaced by A.
Protein change: p.Arg227His; replaces arginine 227 with histidine.
Molecular consequence: missense variant. On other transcripts: non-coding transcript variant (1), intron variant (1).
Genome position (GRCh38, 1-based): chrX:1,294,361, G>A. VCF-style: chrX-1294361-G-A. GRCh37 (hg19) VCF-style: chrX-1413254-G-A.
Other names: c.680G>A, p.Arg227His (NM_001161529.2, NM_001161530.2, NM_001161531.2 and 18 more transcripts); c.281G>A, p.Arg94His (NM_001161532.2); c.661G>A, p.Val221Ile (NM_001379166.1); c.646+3852G>A (NM_172249.4); short protein forms R227H, V221I, R94H.
Identifiers: ClinVar variation 1424688 (VCV001424688.3), dbSNP rs761247845, ClinGen allele CA10330949.

ClinVar aggregate classification (germline): Uncertain significance (1 of 4 stars; one submission).

Conditions:
Surfactant metabolism dysfunction, pulmonary, 4 (SMDP4). Also called: CSF2RA DEFICIENCY; PULMONARY ALVEOLAR PROTEINOSIS, CONGENITAL, 4; PAP DUE TO CSF2RA DEFICIENCY. Identifiers: Orphanet 264675, MedGen C2677877, MONDO:0010424, OMIM 300770.

Allele frequency attached by ClinVar (database versions not stated): gnomAD 0.00001 and 0.00002; ExAC 0.00002; gnomAD exomes 0.00002; TOPMed 0.00003.
gnomAD v4.1: 20 of 1,613,716 alleles (0.0012%); highest among the groups gnomAD compares: East Asian, 0.0089%; no homozygotes.

Submission:

Labcorp Genetics (formerly Invitae), Labcorp
Classification: Uncertain significance for Surfactant metabolism dysfunction, pulmonary, 4. Last evaluated: 2022-08-16. Review status: criteria provided, single submitter. Criteria: Invitae Variant Classification Sherloc (09022015). Collection method: clinical testing. Allele origin: germline.
Comment: This sequence change replaces arginine, which is basic and polar, with histidine, which is basic and polar, at codon 227 of the CSF2RA protein (p.Arg227His). This variant is present in population databases (no rsID available, gnomAD 0.02%). This variant has not been reported in the literature in individuals affected with CSF2RA-related conditions. ClinVar contains an entry for this variant (Variation ID: 1424688). Algorithms developed to predict the effect of missense changes on protein structure and function output the following: SIFT: "Tolerated"; PolyPhen-2: "Not Available"; Align-GVGD: "Class C0". The histidine amino acid residue is found in multiple mammalian species, which suggests that this missense change does not adversely affect protein function. In summary, the available evidence is currently insufficient to determine the role of this variant in disease. Therefore, it has been classified as a Variant of Uncertain Significance.